The following is an entry in ClinVar:

ClinVar aggregate classification (germline): Uncertain significance. Review status: criteria provided, multiple submitters, no conflicts (2 of 4 stars). 2 submissions from 2 submitters: Uncertain significance (2). Last evaluated 2026-01-04.

Conditions:
Hereditary cancer-predisposing syndrome. Also called: Tumor predisposition; Hereditary neoplastic syndrome; Neoplastic Syndromes, Hereditary; Hereditary Cancer Syndrome. Identifiers: Orphanet 140162, MedGen C0027672, MeSH D009386, MONDO:0015356.
Birt-Hogg-Dube syndrome. Also called: Birt Hogg Dubé syndrome. Identifiers: Orphanet 122, MedGen C0346010, MONDO:0800444.

Allele frequency attached by ClinVar (database versions not stated): gnomAD exomes below 0.00001; TOPMed below 0.00001; gnomAD 0.00001.
gnomAD v4.1: 2 of 1,613,982 alleles (0.00012%); highest among the groups gnomAD compares: African/African-American, 0.0013%; no homozygotes.

Submissions (2):

Labcorp Genetics (formerly Invitae), Labcorp
Classification: Uncertain significance for Birt-Hogg-Dube syndrome. Last evaluated: 2026-01-04. Review status: criteria provided, single submitter. Criteria: Invitae Variant Classification Sherloc (09022015). Collection method: clinical testing. Allele origin: germline.
Comment: This sequence change replaces arginine, which is basic and polar, with cysteine, which is neutral and slightly polar, at codon 122 of the FLCN protein (p.Arg122Cys). This variant is not present in population databases (gnomAD no frequency). This variant has not been reported in the literature in individuals affected with FLCN-related conditions. ClinVar contains an entry for this variant (Variation ID: 1380305). Invitae Evidence Modeling of protein sequence and biophysical properties (such as structural, functional, and spatial information, amino acid conservation, physicochemical variation, residue mobility, and thermodynamic stability) indicates that this missense variant is expected to disrupt FLCN protein function with a positive predictive value of 80%. In summary, the available evidence is currently insufficient to determine the role of this variant in disease. Therefore, it has been classified as a Variant of Uncertain Significance.

Ambry Genetics
Classification: Uncertain significance for Hereditary cancer-predisposing syndrome. Last evaluated: 2023-05-14. Review status: criteria provided, single submitter. Criteria: Ambry Variant Classification Scheme 2023. Collection method: clinical testing. Allele origin: germline.
Comment: The p.R122C variant (also known as c.364C>T), located in coding exon 2 of the FLCN gene, results from a C to T substitution at nucleotide position 364. The arginine at codon 122 is replaced by cysteine, an amino acid with highly dissimilar properties. This amino acid position is conserved. In addition, this alteration is predicted to be deleterious by in silico analysis. Since supporting evidence is limited at this time, the clinical significance of this alteration remains unclear.

NM_144997.7(FLCN):c.364C>T (p.Arg122Cys)

Gene: FLCN (folliculin; minus strand). Cytogenetic location: 17p11.2.
Variant type: single nucleotide variant.
Coding change: c.364C>T on transcript NM_144997.7 (MANE Select); coding-DNA position 364, C replaced by T.
Protein change: p.Arg122Cys; replaces arginine 122 with cysteine.
Molecular consequence: missense variant.
Genome position (GRCh38, 1-based): chr17:17,226,208, G>A on the plus strand (C>T on the coding strand, the complement: FLCN is on the minus strand). VCF-style: chr17-17226208-G-A. GRCh37 (hg19) VCF-style: chr17-17129522-G-A.
Other names: c.364C>T (NM_144997.5); c.364C>T, p.Arg122Cys (NM_001353229.2, NM_001353230.2, NM_001353231.2 and 1 more transcripts); short protein forms R122C.
Identifiers: ClinVar variation 1380305 (VCV001380305.9), dbSNP rs2047243116, ClinGen allele CA398534742.